The following is an entry in ClinVar:

NM_006514.4(SCN10A):c.2504T>A (p.Phe835Tyr)

Gene: SCN10A (sodium voltage-gated channel alpha subunit 10; minus strand). Cytogenetic location: 3p22.2.
Variant type: single nucleotide variant.
Coding change: c.2504T>A on transcript NM_006514.4 (MANE Select); coding-DNA position 2504, T replaced by A.
Protein change: p.Phe835Tyr; replaces phenylalanine 835 with tyrosine.
Molecular consequence: missense variant.
Genome position (GRCh38, 1-based): chr3:38,728,678, A>T on the plus strand (T>A on the coding strand, the complement: SCN10A is on the minus strand). VCF-style: chr3-38728678-A-T. GRCh37 (hg19) VCF-style: chr3-38770169-A-T.
Other names: c.2504T>A, p.Phe835Tyr (NM_001293306.2); c.2210T>A, p.Phe737Tyr (NM_001293307.2); c.2504T>A (NM_006514.2); short protein forms F835Y, F737Y.
Identifiers: ClinVar variation 854408 (VCV000854408.4), dbSNP rs2063482693, ClinGen allele CA352160332.

ClinVar aggregate classification (germline): Uncertain significance. Review status: criteria provided, multiple submitters, no conflicts (2 of 4 stars). 2 submissions from 2 submitters: Uncertain significance (2). Last evaluated 2023-12-15.

Conditions:
Cardiovascular phenotype. Identifiers: MedGen CN230736.
Brugada syndrome. Also called: Sudden unexpected nocturnal death syndrome; Sudden unexplained nocturnal death syndrome; Sudden Unexplained Death Syndrome; Sudden Unexplained Nocturnal Death Syndrome (SUNDS). Identifiers: Orphanet 130, MedGen C1142166, MONDO:0015263.

Submissions (2):

Ambry Genetics
Classification: Uncertain significance for Cardiovascular phenotype. Last evaluated: 2023-12-15. Review status: criteria provided, single submitter. Criteria: Ambry Variant Classification Scheme 2023. Collection method: clinical testing. Allele origin: germline.
Comment: The p.F835Y variant (also known as c.2504T>A), located in coding exon 15 of the SCN10A gene, results from a T to A substitution at nucleotide position 2504. The phenylalanine at codon 835 is replaced by tyrosine, an amino acid with highly similar properties. This amino acid position is conserved. In addition, this alteration is predicted to be deleterious by in silico analysis. Since supporting evidence is limited at this time, the clinical significance of this alteration remains unclear.

Labcorp Genetics (formerly Invitae), Labcorp
Classification: Uncertain significance for Brugada syndrome. Last evaluated: 2022-09-27. Review status: criteria provided, single submitter. Criteria: Invitae Variant Classification Sherloc (09022015). Collection method: clinical testing. Allele origin: germline.
Comment: This sequence change replaces phenylalanine, which is neutral and non-polar, with tyrosine, which is neutral and polar, at codon 835 of the SCN10A protein (p.Phe835Tyr). This variant is not present in population databases (gnomAD no frequency). This variant has not been reported in the literature in individuals affected with SCN10A-related conditions. ClinVar contains an entry for this variant (Variation ID: 854408). Advanced modeling of protein sequence and biophysical properties (such as structural, functional, and spatial information, amino acid conservation, physicochemical variation, residue mobility, and thermodynamic stability) performed at Invitae indicates that this missense variant is expected to disrupt SCN10A protein function. In summary, the available evidence is currently insufficient to determine the role of this variant in disease. Therefore, it has been classified as a Variant of Uncertain Significance.